The following is an entry in ClinVar:

NM_021961.6(TEAD1):c.76C>T (p.Pro26Ser)

Gene: TEAD1 (TEA domain transcription factor 1; plus strand). Cytogenetic location: 11p15.3.
Variant type: single nucleotide variant.
Coding change: c.76C>T on transcript NM_021961.6 (MANE Select); coding-DNA position 76, C replaced by T.
Protein change: p.Pro26Ser; replaces proline 26 with serine.
Molecular consequence: missense variant.
Genome position (GRCh38, 1-based): chr11:12,764,308, C>T. VCF-style: chr11-12764308-C-T. GRCh37 (hg19) VCF-style: chr11-12785855-C-T.
Other names: short protein forms P26S.
Identifiers: ClinVar variation 836948 (VCV000836948.11), dbSNP rs369254497, ClinGen allele CA5891468.
Genomic context (GRCh38, chr11:12,764,308, plus strand): 5'-TGGAGCGGCAGTGAGAGCCCTGCCGAAAACATGGAAAGGATGAGTGACTCTGCAGATAAG[C>T]CAATTGACAATGATGCAGAAGGGGTCTGGAGCCCCGACATCGAGCAAAGCTTTCAGGAGG-3'
Protein context (NP_068780.2, residues 16-36): MERMSDSADK[Pro26Ser]IDNDAEGVWS

ClinVar aggregate classification (germline): Uncertain significance (1 of 4 stars; one submission).

Allele frequency attached by ClinVar (database versions not stated): gnomAD exomes below 0.00001; ExAC 0.00001; TOPMed 0.00001; ESP Exome Variant Server 0.00008.

Submission:

Labcorp Genetics (formerly Invitae), Labcorp
Classification: Uncertain significance. Last evaluated: 2024-11-18. Review status: criteria provided, single submitter. Criteria: Invitae Variant Classification Sherloc (09022015). Collection method: clinical testing. Allele origin: germline.
Comment: This sequence change replaces proline, which is neutral and non-polar, with serine, which is neutral and polar, at codon 26 of the TEAD1 protein (p.Pro26Ser). This variant is present in population databases (rs369254497, gnomAD 0.007%). This variant has not been reported in the literature in individuals affected with TEAD1-related conditions. ClinVar contains an entry for this variant (Variation ID: 836948). An algorithm developed to predict the effect of missense changes on protein structure and function (PolyPhen-2) suggests that this variant is likely to be tolerated. In summary, the available evidence is currently insufficient to determine the role of this variant in disease. Therefore, it has been classified as a Variant of Uncertain Significance.